The following is an entry in ClinVar:

NM_000059.4(BRCA2):c.6494del (p.Leu2165fs)

Gene: BRCA2 (BRCA2 DNA repair associated; plus strand). Cytogenetic location: 13q13.1.
Variant type: Deletion.
Coding change: c.6494del on transcript NM_000059.4 (MANE Select); coding-DNA position 6494, one base deleted (T; older notation c.6494delT).
Protein change: p.Leu2165fs; shifts the reading frame from leucine 2165.
Molecular consequence: frameshift variant.
Genome position (GRCh38, 1-based): chr13:32,340,849, T deleted; the last of 2 consecutive T bases (chr13:32,340,848-32,340,849); deleting either gives the same sequence. VCF-style (leftmost placement, unchanged base first): chr13-32340847-GT-G. GRCh37 (hg19) VCF-style: chr13-32914984-GT-G.
Other names: 6722delT; c.6494delT (NM_000059.3); short protein forms L2165fs.
Identifiers: ClinVar variation 52118 (VCV000052118.15), dbSNP rs276174874, ClinGen allele CA024115.

ClinVar aggregate classification (germline): Pathogenic. Review status: reviewed by expert panel (3 of 4 stars). 4 submissions from 4 submitters: Pathogenic (1). 3 of the submissions do not count toward it. Last evaluated 2016-09-08.

Conditions:
Hereditary breast ovarian cancer syndrome. Also called: Hereditary breast and ovarian cancer syndrome; Hereditary breast and ovarian cancer; Hereditary breast and ovarian cancer syndrome (HBOC); Breast and ovarian cancer; Hereditary breast and/or ovarian cancer syndrome; BRCA1- and BRCA2-Associated Hereditary Breast and Ovarian Cancer. Identifiers: Orphanet 145, MedGen C0677776, MeSH D061325, MONDO:0003582. Disease mechanism: loss of function.
Hereditary cancer-predisposing syndrome. Also called: Neoplastic Syndromes, Hereditary; Tumor predisposition; Hereditary neoplastic syndrome; Hereditary Cancer Syndrome. Identifiers: Orphanet 140162, MedGen C0027672, MeSH D009386, MONDO:0015356.
Breast-ovarian cancer, familial, susceptibility to, 2 (BROVCA2). Also called: BRCA2 Hereditary Breast and Ovarian Cancer. Identifiers: Orphanet 145, MedGen C2675520, MONDO:0012933, OMIM 612555. Disease mechanism: loss of function.

Submissions (4):

Evidence-based Network for the Interpretation of Germline Mutant Alleles (ENIGMA)
Classification: Pathogenic for Breast-ovarian cancer, familial, susceptibility to, 2. Last evaluated: 2016-09-08. Review status: reviewed by expert panel. Criteria: ENIGMA BRCA1/2 Classification Criteria (2015). Collection method: curation. Allele origin: germline.
Comment: Variant allele predicted to encode a truncated non-functional protein.

Labcorp Genetics (formerly Invitae), Labcorp
Classification: Pathogenic for Hereditary breast ovarian cancer syndrome. Last evaluated: 2022-10-24. Review status: criteria provided, single submitter. Criteria: Invitae Variant Classification Sherloc (09022015). Collection method: clinical testing. Allele origin: germline. Not counted in ClinVar's aggregate classification.
Comment: For these reasons, this variant has been classified as Pathogenic. ClinVar contains an entry for this variant (Variation ID: 52118). This premature translational stop signal has been observed in individual(s) with breast cancer (PMID: 23479189). This variant is not present in population databases (gnomAD no frequency). This sequence change creates a premature translational stop signal (p.Leu2165Trpfs*3) in the BRCA2 gene. It is expected to result in an absent or disrupted protein product. Loss-of-function variants in BRCA2 are known to be pathogenic (PMID: 20104584).

Ambry Genetics
Classification: Pathogenic for Hereditary cancer-predisposing syndrome. Last evaluated: 2021-01-19. Review status: criteria provided, single submitter. Criteria: Ambry Variant Classification Scheme 2023. Collection method: clinical testing. Allele origin: germline. Not counted in ClinVar's aggregate classification.
Comment: The c.6494delT pathogenic mutation, located in coding exon 10 of the BRCA2 gene, results from a deletion of one nucleotide at nucleotide position 6494, causing a translational frameshift with a predicted alternate stop codon (p.L2165Wfs*3). This mutation has been detected in a Spanish breast cancer family (Esteban Carde&ntilde;osa E et al. Med Clin (Barc), 2008 Feb;130:121-6; de Juan Jim&eacute;nez I et al. Fam Cancer, 2013 Dec;12:767-77). Of note, this alteration is designated as 6722delT in some published literature. In addition to the clinical data presented in the literature, this alteration is expected to result in loss of function by premature protein truncation or nonsense-mediated mRNA decay. As such, this alteration is interpreted as a disease-causing mutation.

Breast Cancer Information Core (BIC) (BRCA2)
Classification: Pathogenic for Breast-ovarian cancer, familial 2. Last evaluated: 2011-03-02. Review status: no assertion criteria provided. Collection method: clinical testing. Allele origin: germline. Affected: yes. Observed: 1 variant allele. Not counted in ClinVar's aggregate classification.

Literature cited by the submitters: PubMed 23479189 (cited by Labcorp Genetics (formerly Invitae), Labcorp and Ambry Genetics); PubMed 20104584 (cited by Labcorp Genetics (formerly Invitae), Labcorp); PubMed 18279628 (cited by Ambry Genetics).